The following is an entry in ClinVar:

NM_024649.5(BBS1):c.1772C>T (p.Ala591Val)

Genes: BBS1 (Bardet-Biedl syndrome 1; plus strand), ZDHHC24 (zDHHC palmitoyltransferase 24; minus strand). Cytogenetic location: 11q13.2.
Variant type: single nucleotide variant.
Coding change: c.1772C>T on transcript NM_024649.5 (MANE Select); coding-DNA position 1772, C replaced by T.
Protein change: p.Ala591Val; replaces alanine 591 with valine.
Molecular consequence: missense variant. On other transcripts: intron variant (1).
Genome position (GRCh38, 1-based): chr11:66,532,027, C>T. VCF-style: chr11-66532027-C-T. GRCh37 (hg19) VCF-style: chr11-66299498-C-T.
Other names: c.560-2539G>A (NM_001348571.2); short protein forms A591V.
Identifiers: ClinVar variation 391252 (VCV000391252.14), dbSNP rs144492051, ClinGen allele CA6123891.

ClinVar aggregate classification (germline): Uncertain significance. Review status: criteria provided, multiple submitters, no conflicts (2 of 4 stars). 7 submissions from 7 submitters: Uncertain significance (6). 1 of the submissions does not count toward it. Last evaluated 2026-08-20.

Conditions:
Retinal dystrophy. Also called: Inherited retinal dystrophy. Identifiers: Orphanet 71862, MedGen C0854723, MeSH D058499, MONDO:0019118, HP:0000556.
BBS1-related disorder. Also called: BBS1-related condition.
Bardet-Biedl syndrome 1 (BBS1). Identifiers: MedGen C2936862, MONDO:0008854, OMIM 209900. Disease mechanism: loss of function.
Bardet-Biedl syndrome (BBS). Identifiers: Orphanet 110, MedGen C0752166, MONDO:0015229.

Allele frequency attached by ClinVar (database versions not stated): gnomAD exomes 0.00014 and 0.00005; TOPMed 0.00032; ExAC 0.00025; gnomAD 0.00028 and 0.00025; ESP Exome Variant Server 0.00015; 1000 Genomes Project 30x 0.00016; 1000 Genomes Project 0.00020.
gnomAD v4.1: 119 of 1,604,672 alleles (0.0074%); highest among the groups gnomAD compares: East Asian, 0.11%; no homozygotes.

Submissions (7):

PreventionGenetics, part of Exact Sciences
Classification: Uncertain significance for BBS1-related condition. Last evaluated: 2026-08-20. Review status: criteria provided, single submitter. Criteria: ACMG Guidelines, 2015. Collection method: clinical testing. Allele origin: germline.
Comment: The BBS1 c.1772C>T variant is predicted to result in the amino acid substitution p.Ala591Val. This variant was reported in the heterozygous state with a second missense variant in an individual diagnosed with Bardet-Biedl syndrome; however, it is not clear whether these variants are on opposite alleles and no further information was provided to establish pathogenicity (Supplementary Material, Sun et al. 2018. PubMed ID: 30076350). This variant is reported in 0.13% of alleles in individuals of East Asian descent in gnomAD. At this time, the clinical significance of this variant is uncertain due to the absence of conclusive functional and genetic evidence.

GeneDx
Classification: Uncertain significance. Last evaluated: 2025-12-18. Review status: criteria provided, single submitter. Criteria: GeneDx Variant Classification Process June 2021. Collection method: clinical testing. Allele origin: germline. Affected: yes.
Comment: Reported, along with a second variant in BBS1, in an individual with Bardet-Biedl syndrome; however, no specific phenotypic information was provided (PMID: 30076350); In silico analysis suggests that this missense variant does not alter protein structure/function; This variant is associated with the following publications: (PMID: 30076350)

Fulgent Genetics
Classification: Uncertain significance for Bardet-Biedl syndrome 1. Last evaluated: 2024-06-15. Review status: criteria provided, single submitter. Criteria: ACMG Guidelines, 2015. Collection method: clinical testing. Allele origin: germline.

Blueprint Genetics
Classification: Uncertain significance. Last evaluated: 2024-01-12. Review status: criteria provided, single submitter. Criteria: ACMG Guidelines, 2015. Collection method: clinical testing. Allele origin: germline.

Dept Of Ophthalmology, Nagoya University
Classification: Uncertain significance for Retinal dystrophy. Last evaluated: 2023-10-01. Review status: criteria provided, single submitter. Criteria: Submitter's publication. Collection method: research. Allele origin: germline. Affected: yes.

Labcorp Genetics (formerly Invitae), Labcorp
Classification: Uncertain significance for Bardet-Biedl syndrome. Last evaluated: 2022-10-05. Review status: criteria provided, single submitter. Criteria: Invitae Variant Classification Sherloc (09022015). Collection method: clinical testing. Allele origin: germline.
Comment: This sequence change replaces alanine, which is neutral and non-polar, with valine, which is neutral and non-polar, at codon 591 of the BBS1 protein (p.Ala591Val). The frequency data for this variant in the population databases is considered unreliable, as metrics indicate poor data quality at this position in the gnomAD database. This missense change has been observed in individual(s) with clinical features of BBS1-related conditions (PMID: 30076350). ClinVar contains an entry for this variant (Variation ID: 391252). Algorithms developed to predict the effect of missense changes on protein structure and function output the following: SIFT: "Tolerated"; PolyPhen-2: "Benign"; Align-GVGD: "Class C0". The valine amino acid residue is found in multiple mammalian species, which suggests that this missense change does not adversely affect protein function. In summary, the available evidence is currently insufficient to determine the role of this variant in disease. Therefore, it has been classified as a Variant of Uncertain Significance.

Natera, Inc.
Classification: Uncertain significance for Bardet-Biedl syndrome type 1. Last evaluated: 2019-10-28. Review status: no assertion criteria provided. Collection method: clinical testing. Allele origin: germline. Not counted in ClinVar's aggregate classification.

Literature cited by the submitters: PubMed 30076350 (cited by Labcorp Genetics (formerly Invitae), Labcorp).